The following is an entry in ClinVar:

NM_144498.4(OSBPL2):c.308T>G (p.Phe103Cys)

Gene: OSBPL2 (oxysterol binding protein like 2; plus strand). Cytogenetic location: 20q13.33.
Variant type: single nucleotide variant.
Coding change: c.308T>G on transcript NM_144498.4 (MANE Select); coding-DNA position 308, T replaced by G.
Protein change: p.Phe103Cys; replaces phenylalanine 103 with cysteine.
Molecular consequence: missense variant.
Genome position (GRCh38, 1-based): chr20:62,272,174, T>G. VCF-style: chr20-62272174-T-G. GRCh37 (hg19) VCF-style: chr20-60847230-T-G.
Other names: c.32T>G, p.Phe11Cys (NM_001278649.3, NM_001363878.2); c.272T>G, p.Phe91Cys (NM_014835.5); short protein forms F103C, F11C, F91C.
Identifiers: ClinVar variation 3572493 (VCV003572493.2).

ClinVar aggregate classification (germline): Uncertain significance (1 of 4 stars; one submission).

Submission:

GeneDx
Classification: Uncertain significance. Last evaluated: 2025-07-08. Review status: criteria provided, single submitter. Criteria: GeneDx Variant Classification Process June 2021. Collection method: clinical testing. Allele origin: germline.
Comment: Not observed at significant frequency in large population cohorts (gnomAD); In silico analysis supports that this missense variant has a deleterious effect on protein structure/function; Has not been previously published as pathogenic or benign to our knowledge